The following is an entry in ClinVar:

NM_181872.6(DMRT2):c.470A>C (p.Glu157Ala)

Gene: DMRT2 (doublesex and mab-3 related transcription factor 2; plus strand). Cytogenetic location: 9p24.3.
Variant type: single nucleotide variant.
Coding change: c.470A>C on transcript NM_181872.6 (MANE Select); coding-DNA position 470, A replaced by C.
Protein change: p.Glu157Ala; replaces glutamic acid 157 with alanine.
Molecular consequence: missense variant. On other transcripts: 5 prime UTR variant (1), non-coding transcript variant (1).
Genome position (GRCh38, 1-based): chr9:1,052,083, A>C. VCF-style: chr9-1052083-A-C. GRCh37 (hg19) VCF-style: chr9-1052083-A-C.
Other names: c.470A>C, p.Glu157Ala (NM_001130865.3, NM_001370531.1, NM_001370533.1 and 4 more transcripts); c.-181A>C (NM_001370532.1); short protein forms E157A.
Identifiers: ClinVar variation 2860881 (VCV002860881.3), dbSNP rs2488583947, ClinGen allele CA372773808.

ClinVar aggregate classification (germline): Uncertain significance (1 of 4 stars; one submission).

Submission:

Labcorp Genetics (formerly Invitae), Labcorp
Classification: Uncertain significance. Last evaluated: 2023-04-30. Review status: criteria provided, single submitter. Criteria: Invitae Variant Classification Sherloc (09022015). Collection method: clinical testing. Allele origin: germline.
Comment: In summary, the available evidence is currently insufficient to determine the role of this variant in disease. Therefore, it has been classified as a Variant of Uncertain Significance. An algorithm developed to predict the effect of missense changes on protein structure and function (PolyPhen-2) suggests that this variant is likely to be disruptive. This variant has not been reported in the literature in individuals affected with DMRT2-related conditions. This variant is not present in population databases (gnomAD no frequency). This sequence change replaces glutamic acid, which is acidic and polar, with alanine, which is neutral and non-polar, at codon 157 of the DMRT2 protein (p.Glu157Ala).